The following is an entry in ClinVar:

NM_144643.4(SCLT1):c.1960C>T (p.Arg654Cys)

Gene: SCLT1 (sodium channel and clathrin linker 1; minus strand). Cytogenetic location: 4q28.2.
Variant type: single nucleotide variant.
Coding change: c.1960C>T on transcript NM_144643.4 (MANE Select); coding-DNA position 1960, C replaced by T.
Protein change: p.Arg654Cys; replaces arginine 654 with cysteine.
Molecular consequence: missense variant.
Genome position (GRCh38, 1-based): chr4:128,888,723, G>A on the plus strand (C>T on the coding strand, the complement: SCLT1 is on the minus strand). VCF-style: chr4-128888723-G-A. GRCh37 (hg19) VCF-style: chr4-129809878-G-A.
Other names: c.1960C>T (NM_144643.3); short protein forms R654C.
Identifiers: ClinVar variation 2190679 (VCV002190679.2), dbSNP rs531031008, ClinGen allele CA105726999.
Genomic context (GRCh38, chr4:128,888,723, plus strand): 5'-AGAGGATGCTCCCTACCTGCTGGGAAGCTGAAGCAGCTCTCTCTTCTGCCTGACTTAGAC[G>A]CCTTTGAAGTCTGTTGGCTTTTTCTTGATGCTCTAGAATTAGCTTTTCATTCTATTAAGG-3'
Protein context (NP_653244.2, residues 644-664): HQEKANRLQR[Arg654Cys]LSQAEERAAS

ClinVar aggregate classification (germline): Uncertain significance. Review status: criteria provided, multiple submitters, no conflicts (2 of 4 stars). 2 submissions from 2 submitters: Uncertain significance (2). Last evaluated 2026-07-13.

Conditions:
SCLT1-related disorder. Also called: SCLT1-related condition.

Allele frequency attached by ClinVar (database versions not stated): gnomAD 0.00001; gnomAD exomes 0.00001; TOPMed 0.00001.
gnomAD v4.1: 19 of 1,612,910 alleles (0.0012%); highest among the groups gnomAD compares: South Asian, 0.0033%; no homozygotes.

Submissions (2):

PreventionGenetics, part of Exact Sciences
Classification: Uncertain significance for SCLT1-related condition. Last evaluated: 2026-07-13. Review status: criteria provided, single submitter. Criteria: ACMG Guidelines, 2015. Collection method: clinical testing. Allele origin: germline.
Comment: The SCLT1 c.1960C>T variant is predicted to result in the amino acid substitution p.Arg654Cys. To our knowledge, this variant has not been reported in the literature. This variant is reported in 0.00088% of alleles in individuals of European (Non-Finnish) descent in gnomAD. At this time, the clinical significance of this variant is uncertain due to the absence of conclusive functional and genetic evidence.

Labcorp Genetics (formerly Invitae), Labcorp
Classification: Uncertain significance. Last evaluated: 2022-08-09. Review status: criteria provided, single submitter. Criteria: Invitae Variant Classification Sherloc (09022015). Collection method: clinical testing. Allele origin: germline.
Comment: This sequence change replaces arginine, which is basic and polar, with cysteine, which is neutral and slightly polar, at codon 654 of the SCLT1 protein (p.Arg654Cys). This variant is present in population databases (rs531031008, gnomAD 0.0009%). This variant has not been reported in the literature in individuals affected with SCLT1-related conditions. Algorithms developed to predict the effect of missense changes on protein structure and function are either unavailable or do not agree on the potential impact of this missense change (SIFT: "Deleterious"; PolyPhen-2: "Probably Damaging"; Align-GVGD: "Class C0"). In summary, the available evidence is currently insufficient to determine the role of this variant in disease. Therefore, it has been classified as a Variant of Uncertain Significance.